The following is an entry in ClinVar:

NM_003072.5(SMARCA4):c.1119-2A>C

Gene: SMARCA4 (SWI/SNF related BAF chromatin remodeling complex subunit ATPase 4; plus strand). Cytogenetic location: 19p13.2.
Variant type: single nucleotide variant.
Coding change: c.1119-2A>C on transcript NM_003072.5 (MANE Select); the canonical splice acceptor site of the intron before coding-DNA position 1119, A replaced by C.
Molecular consequence: splice acceptor variant.
Genome position (GRCh38, 1-based): chr19:10,989,315, A>C. VCF-style: chr19-10989315-A-C. GRCh37 (hg19) VCF-style: chr19-11099991-A-C.
Other names: c.1119-2A>C (NM_001128844.3, NM_001128849.3, NM_001128847.4 and 6 more transcripts).
Identifiers: ClinVar variation 576082 (VCV000576082.7), dbSNP rs1568430280, ClinGen allele CA404059340.
Genomic context (GRCh38, chr19:10,989,315, plus strand): 5'-CAGCTGTAACTGGGTGCCCTGGCAACCCTCTCACCGCCTTTGCTCCTTGTCTCTGCTCCC[A>C]GGCTGCAGGCTCGCATCGCACACCGAATTCAGGAACTTGAAAACCTTCCCGGGTCCCTGG-3'

ClinVar aggregate classification (germline): Likely pathogenic (1 of 4 stars; one submission).

Conditions:
Rhabdoid tumor predisposition syndrome 2 (RTPS2). Identifiers: Orphanet 231108, Orphanet 69077, MedGen C2750074, MONDO:0013224, OMIM 613325.

Submission:

Labcorp Genetics (formerly Invitae), Labcorp
Classification: Likely pathogenic for Rhabdoid tumor predisposition syndrome 2. Last evaluated: 2018-02-28. Review status: criteria provided, single submitter. Criteria: Invitae Variant Classification Sherloc (09022015). Collection method: clinical testing. Allele origin: germline.
Comment: Donor and acceptor splice site variants typically lead to a loss of protein function (PMID: 16199547), and loss-of-function variants in SMARCA4 are known to be pathogenic (PMID: 24658001, 24658002). This sequence change affects an acceptor splice site in intron 6 of the SMARCA4 gene. It is expected to disrupt RNA splicing and likely results in an absent or disrupted protein product. This variant is not present in population databases (ExAC no frequency). This variant has not been reported in the literature in individuals with SMARCA4-related disease. In summary, the currently available evidence indicates that the variant is pathogenic, but additional data are needed to prove that conclusively. Therefore, this variant has been classified as Likely Pathogenic.

Literature cited by the submitters: PubMed 16199547; PubMed 24658001; PubMed 24658002.